The following is an entry in ClinVar:

ClinVar aggregate classification (germline): Uncertain significance. Review status: criteria provided, multiple submitters, no conflicts (2 of 4 stars). 2 submissions from 2 submitters: Uncertain significance (2). Last evaluated 2024-04-11.

Allele frequency attached by ClinVar (database versions not stated): ExAC 0.00013; 1000 Genomes Project 0.00020; 1000 Genomes Project 30x 0.00031; gnomAD exomes 0.00004; TOPMed 0.00004; gnomAD 0.00006; ESP Exome Variant Server 0.00008.
gnomAD v4.1: 63 of 1,605,466 alleles (0.0039%); highest among the groups gnomAD compares: South Asian, 0.024%; 1 homozygote.

Submissions (2):

GeneDx
Classification: Uncertain significance. Last evaluated: 2024-04-11. Review status: criteria provided, single submitter. Criteria: GeneDx Variant Classification Process June 2021. Collection method: clinical testing. Allele origin: germline. Affected: yes.
Comment: In silico analysis supports that this missense variant has a deleterious effect on protein structure/function; Has not been previously published as pathogenic or benign to our knowledge

Labcorp Genetics (formerly Invitae), Labcorp
Classification: Uncertain significance. Last evaluated: 2022-07-19. Review status: criteria provided, single submitter. Criteria: Invitae Variant Classification Sherloc (09022015). Collection method: clinical testing. Allele origin: germline.
Comment: This sequence change replaces alanine, which is neutral and non-polar, with valine, which is neutral and non-polar, at codon 412 of the TRIT1 protein (p.Ala412Val). This variant is present in population databases (rs147582410, gnomAD 0.02%), including at least one homozygous and/or hemizygous individual. This variant has not been reported in the literature in individuals affected with TRIT1-related conditions. Algorithms developed to predict the effect of missense changes on protein structure and function are either unavailable or do not agree on the potential impact of this missense change (SIFT: "Tolerated"; PolyPhen-2: "Possibly Damaging"; Align-GVGD: "Class C0"). In summary, the available evidence is currently insufficient to determine the role of this variant in disease. Therefore, it has been classified as a Variant of Uncertain Significance.

NM_017646.6(TRIT1):c.1235C>T (p.Ala412Val)

Gene: TRIT1 (tRNA isopentenyltransferase 1; minus strand). Cytogenetic location: 1p34.2.
Variant type: single nucleotide variant.
Coding change: c.1235C>T on transcript NM_017646.6 (MANE Select); coding-DNA position 1235, C replaced by T.
Protein change: p.Ala412Val; replaces alanine 412 with valine.
Molecular consequence: missense variant.
Genome position (GRCh38, 1-based): chr1:39,841,913, G>A on the plus strand (C>T on the coding strand, the complement: TRIT1 is on the minus strand). VCF-style: chr1-39841913-G-A. GRCh37 (hg19) VCF-style: chr1-40307585-G-A.
Other names: c.1157C>T, p.Ala386Val (NM_001312691.2); c.989C>T, p.Ala330Val (NM_001312692.2); short protein forms A330V, A386V, A412V.
Identifiers: ClinVar variation 2161959 (VCV002161959.5), dbSNP rs147582410, ClinGen allele CA787855.